The following is an entry in ClinVar:

NM_032119.4(ADGRV1):c.1623T>C (p.Phe541=)

Gene: ADGRV1 (adhesion G protein-coupled receptor V1; plus strand). Cytogenetic location: 5q14.3.
Variant type: single nucleotide variant.
Coding change: c.1623T>C on transcript NM_032119.4 (MANE Select); coding-DNA position 1623, T replaced by C.
Protein change: p.Phe541=; no amino-acid change (phenylalanine 541 retained).
Molecular consequence: synonymous variant. On other transcripts: non-coding transcript variant (1).
Genome position (GRCh38, 1-based): chr5:90,629,323, T>C. VCF-style: chr5-90629323-T-C. GRCh37 (hg19) VCF-style: chr5-89925140-T-C.
Identifiers: ClinVar variation 667066 (VCV000667066.4), dbSNP rs1580513065, ClinGen allele CA445466132.

ClinVar aggregate classification (germline): Likely benign (1 of 4 stars; one submission).

Submission:

Laboratory for Molecular Medicine, Mass General Brigham Personalized Medicine
Classification: Likely benign. Last evaluated: 2018-05-29. Review status: criteria provided, single submitter. Criteria: LMM Criteria. Collection method: clinical testing. Allele origin: germline. Observed: 1 variant allele.
Comment: p.Phe541Phe in exon 9 of ADGRV1: This variant is classified as likely benign bec ause it does not alter an amino acid residue, it is not located within the splic e consensus sequence, and splice prediction algorithms do not predict a newly cr eated splice site. ACMG/AMP Criteria applied: PM2, BP4, BP7.